The following is an entry in ClinVar:

ClinVar aggregate classification (germline): Likely benign. Review status: criteria provided, multiple submitters, no conflicts (2 of 4 stars). 4 submissions from 4 submitters: Likely benign (3). 1 of the submissions does not count toward it. Last evaluated 2024-01-16.

Conditions:
Hereditary cancer-predisposing syndrome. Also called: Hereditary neoplastic syndrome; Hereditary Cancer Syndrome; Neoplastic Syndromes, Hereditary; Tumor predisposition. Identifiers: Orphanet 140162, MedGen C0027672, MeSH D009386, MONDO:0015356.
Fanconi anemia (FA). Also called: Fanconi's anemia. Identifiers: Orphanet 84, MedGen C0015625, MeSH D005199, MONDO:0019391.

Allele frequency attached by ClinVar (database versions not stated): gnomAD exomes below 0.00001; TOPMed below 0.00001; gnomAD 0.00001.
gnomAD v4.1: 2 of 1,613,390 alleles (0.00012%); highest among the groups gnomAD compares: Non-Finnish European, 0.00017%; no homozygotes.

Submissions (4):

Labcorp Genetics (formerly Invitae), Labcorp
Classification: Likely benign for Fanconi anemia. Last evaluated: 2024-01-16. Review status: criteria provided, single submitter. Criteria: Invitae Variant Classification Sherloc (09022015). Collection method: clinical testing. Allele origin: germline.

Ambry Genetics
Classification: Likely benign for Hereditary cancer-predisposing syndrome. Last evaluated: 2018-09-07. Review status: criteria provided, single submitter. Criteria: Ambry Variant Classification Scheme 2023. Collection method: clinical testing. Allele origin: germline.

GeneDx
Classification: Likely benign. Last evaluated: 2016-11-14. Review status: criteria provided, single submitter. Criteria: GeneDx Variant Classification (06012015). Collection method: clinical testing. Allele origin: germline. Affected: yes.
Comment: This variant is considered likely benign or benign based on one or more of the following criteria: it is a conservative change, it occurs at a poorly conserved position in the protein, it is predicted to be benign by multiple in silico algorithms, and/or has population frequency not consistent with disease.

Natera, Inc.
Classification: Likely benign for Fanconi anemia. Last evaluated: 2019-02-05. Review status: no assertion criteria provided. Collection method: clinical testing. Allele origin: germline. Not counted in ClinVar's aggregate classification.

NM_000136.3(FANCC):c.501T>C (p.Asn167=)

Gene: FANCC (FA complementation group C; minus strand). Cytogenetic location: 9q22.32.
Variant type: single nucleotide variant.
Coding change: c.501T>C on transcript NM_000136.3 (MANE Select); coding-DNA position 501, T replaced by C.
Protein change: p.Asn167=; no amino-acid change (asparagine 167 retained).
Molecular consequence: synonymous variant.
Genome position (GRCh38, 1-based): chr9:95,171,099, A>G on the plus strand (T>C on the coding strand, the complement: FANCC is on the minus strand). VCF-style: chr9-95171099-A-G. GRCh37 (hg19) VCF-style: chr9-97933381-A-G.
Other names: c.501T>C, p.Asn167= (NM_001243743.2, NM_001243744.2).
Identifiers: ClinVar variation 377841 (VCV000377841.11), dbSNP rs1057520284, ClinGen allele CA16606596.
Genomic context (GRCh38, chr9:95,171,099, plus strand): 5'-TTTGAAACCTGAGAAGAAGGATGTTTAGTTTAACACCTACCGCCTTTGAGTGTTAAATCC[A>G]TTAAGATGATTCTCTCTGAGTTCAGACGCTAATGATAAAACCATCTGTAAAACAAAATCA-3'
Protein context (NP_000127.2, residues 157-177): LASELRENHL[Asn167=]GFNTQRRMAP